The following is an entry in ClinVar:

NM_024514.5(CYP2R1):c.31_40dup (p.Leu14fs)

Genes: CYP2R1 (cytochrome P450 family 2 subfamily R member 1; minus strand), PDE3B (phosphodiesterase 3B; plus strand). Cytogenetic location: 11p15.2.
Variant type: Duplication.
Coding change: c.31_40dup on transcript NM_024514.5 (MANE Select); coding-DNA positions 31 to 40, 10 bases duplicated (GCGGCGGCGC; older notation c.31_40dupGCGGCGGCGC).
Protein change: p.Leu14fs; shifts the reading frame from leucine 14.
Molecular consequence: frameshift variant. On other transcripts: intron variant (3).
Genome position (GRCh38, 1-based): chr11:14,892,166-14,892,175, GCGCCGCCGC duplicated on the plus strand (GCGGCGGCGC on the coding strand, the reverse complement: CYP2R1 is on the minus strand); duplicating any 10 consecutive bases within chr11:14,892,166-14,892,177 gives the same sequence; the c. name uses the placement nearest the transcript's 3' end. VCF-style (leftmost placement, unchanged base first): chr11-14892165-A-AGCGCCGCCGC. GRCh37 (hg19) VCF-style: chr11-14913711-A-AGCGCCGCCGC.
Other names: c.2887-6777_2887-6768dup (NM_001429700.1); c.2887-6788_2887-6779dup (NM_001429699.1); c.-121+190_-121+199dup (NM_001400558.1); short protein forms L14fs.
Identifiers: ClinVar variation 3599265 (VCV003599265.1).

ClinVar aggregate classification (germline): Pathogenic/Likely pathogenic. Review status: criteria provided, multiple submitters, no conflicts (2 of 4 stars). 2 submissions from 2 submitters: Pathogenic (1); Likely pathogenic (1). Last evaluated 2025-06-12.

Conditions:
Vitamin D hydroxylation-deficient rickets, type 1B. Also called: PSEUDOVITAMIN D3 DEFICIENCY RICKETS DUE TO 25-HYDROXYLASE DEFICIENCY; VITAMIN D-DEPENDENT RICKETS, TYPE 1B; Rickets due to Defect in Vitamin D 25-hydroxylation. Identifiers: Orphanet 289157, MedGen C1838657, MONDO:0010810, OMIM 600081.

Submissions (2):

Labcorp Genetics (formerly Invitae), Labcorp
Classification: Pathogenic. Last evaluated: 2025-06-12. Review status: criteria provided, single submitter. Criteria: Invitae Variant Classification Sherloc (09022015). Collection method: clinical testing. Allele origin: germline.
Comment: This sequence change creates a premature translational stop signal (p.Leu14Argfs*83) in the CYP2R1 gene. It is expected to result in an absent or disrupted protein product. Loss-of-function variants in CYP2R1 are known to be pathogenic (PMID: 15128933, 22855339, 25942481, 33715104). This variant is present in population databases (no rsID available, gnomAD 0.01%). This variant has not been reported in the literature in individuals affected with CYP2R1-related conditions. ClinVar contains an entry for this variant (Variation ID: 3599265). For these reasons, this variant has been classified as Pathogenic.

Fulgent Genetics
Classification: Likely pathogenic for Vitamin D hydroxylation-deficient rickets, type 1B. Last evaluated: 2024-06-01. Review status: criteria provided, single submitter. Criteria: ACMG Guidelines, 2015. Collection method: clinical testing. Allele origin: germline.

Literature cited by the submitters: PubMed 15128933 (cited by Labcorp Genetics (formerly Invitae), Labcorp); PubMed 22855339 (cited by Labcorp Genetics (formerly Invitae), Labcorp); PubMed 25942481 (cited by Labcorp Genetics (formerly Invitae), Labcorp); PubMed 33715104 (cited by Labcorp Genetics (formerly Invitae), Labcorp).